The following is an entry in ClinVar:

ClinVar aggregate classification (germline): Likely benign (1 of 4 stars; one submission).

gnomAD v4.1: 21 of 1,614,008 alleles (0.0013%); highest among the groups gnomAD compares: African/African-American, 0.0067%; no homozygotes.

Submission:

CeGaT Center for Human Genetics Tuebingen
Classification: Likely benign. Last evaluated: 2025-11-01. Review status: criteria provided, single submitter. Criteria: CeGaT Center For Human Genetics Tuebingen Variant Classification Criteria Version 2. Collection method: clinical testing. Allele origin: germline. Affected: yes. Observed: 1 variant allele.
Comment: THPO: BP4

NM_000460.4(THPO):c.754G>A (p.Glu252Lys)

Gene: THPO (thrombopoietin; minus strand). Cytogenetic location: 3q27.1.
Variant type: single nucleotide variant.
Coding change: c.754G>A on transcript NM_000460.4 (MANE Select); coding-DNA position 754, G replaced by A.
Protein change: p.Glu252Lys; replaces glutamic acid 252 with lysine.
Molecular consequence: missense variant.
Genome position (GRCh38, 1-based): chr3:184,372,821, C>T on the plus strand (G>A on the coding strand, the complement: THPO is on the minus strand). VCF-style: chr3-184372821-C-T. GRCh37 (hg19) VCF-style: chr3-184090609-C-T.
Other names: c.754G>A, p.Glu252Lys (NM_001290028.1, NM_001289998.1); c.742G>A, p.Glu248Lys (NM_001177597.2, NM_001290022.1); c.737G>A, p.Arg246Gln (NM_001177598.2, NM_001290026.1); c.638G>A, p.Arg213Gln (NM_001289997.1, NM_001290027.1); c.1174G>A, p.Glu392Lys (NM_001290003.1); short protein forms E248K, E252K, E392K, R213Q, R246Q.
Identifiers: ClinVar variation 4534365 (VCV004534365.6).
Genomic context (GRCh38, chr3:184,372,821, plus strand): 5'-GGGCTCCTAGGGTCCTGCGTGAGGGTCCAGGAAAGAGTCCACGAGTTCCATTCAAGAGTT[C>T]GTGTATCCTGTTCAGGTATCCGGGGATTTGGTCCAGGGACCTGGAGGTTTGGTTCAGCAG-3'
Protein context (NP_000451.1, residues 242-262): QIPGYLNRIH[Glu252Lys]LLNGTRGLFP